The following is an entry in ClinVar:

ClinVar aggregate classification (germline): Likely pathogenic. Review status: reviewed by expert panel (3 of 4 stars). 3 submissions from 3 submitters: Likely pathogenic (1). 2 of the submissions do not count toward it. Last evaluated 2025-04-22.

Conditions:
Autosomal recessive limb-girdle muscular dystrophy. Identifiers: Orphanet 102015, MedGen C2931907, MONDO:0015152.
Autosomal recessive limb-girdle muscular dystrophy type 2A (LGMDR1). Also called: LEYDEN-MOEBIUS MUSCULAR DYSTROPHY; MUSCULAR DYSTROPHY, PELVOFEMORAL; Limb-girdle muscular dystrophy, type 2A; Calpainopathy; Muscular dystrophy, limb-girdle, type 2A, Amish. Identifiers: Orphanet 267, MedGen C1869123, MONDO:0009675, OMIM 253600. Disease mechanism: loss of function.

Allele frequency attached by ClinVar (database versions not stated): gnomAD exomes below 0.00001; TOPMed below 0.00001; ExAC 0.00001; gnomAD 0.00001.
gnomAD v4.1: 2 of 1,612,376 alleles (0.00012%); highest among the groups gnomAD compares: Non-Finnish European, 0.00017%; no homozygotes.

Submissions (3):

ClinGen Limb Girdle Muscular Dystrophy Variant Curation Expert Panel, ClinGen
Classification: Likely pathogenic for Autosomal recessive limb-girdle muscular dystrophy. Last evaluated: 2025-04-22. Review status: reviewed by expert panel. Criteria: ClinGen LGMD VCEP ACMG Specifications CAPN3 V1.0.0. Collection method: curation. Allele origin: germline. Inheritance: Autosomal recessive inheritance.
Comment: The NM_000070.3: c.1187A>G variant is CAPN3 is a missense variant predicted to cause substitution of glutamic acid by glycine at amino acid 396, p.(Glu396Gly). This variant affects the seventh nucleotide from the boundary of exon and intron 9 and has a SpliceAI score of 0.09 for gain of an alternative donor site in intron 9. Minigene assays have demonstrated a splice effect of this variant, resulting in partial retention of intron 9 that is expected to lead to a frameshift, premature truncation, and subsequent nonsense mediated decay (PMID: 32668095). However, some degree of normal splicing appears to be retained (PVS1_Strong_RNA). This variant has been detected in trans with a pathogenic variant in at least one individual with limb girdle muscular dystrophy (c.1194-9A>G, 1.0 pt, PMID: 30564623; LOVD Individual #00222031; ClinVar SCV004285915.1 internal data communication) (PM3, PP4). The highest minor allele frequency of this variant is 0.000001697 in the European (non-Finnish) population in gnomAD v4.1.0 (2/1178556 genome chromosomes), which is lower than the LGMD VCEP threshold (<0.0001) for PM2_Supporting, meeting this criterion (PM2_Supporting). In summary, this variant meets the criteria to be classified as Likely Pathogenic for autosomal recessive limb girdle muscular dystrophy based on the ACMG/AMP criteria applied, as specified by the ClinGen LGMD VCEP (LGMD VCEP specifications version 1.0.0; 04/22/2025): PVS1_Strong_RNA, PM3, PP4, PM2_Supporting.

Labcorp Genetics (formerly Invitae), Labcorp
Classification: Likely pathogenic for Autosomal recessive limb-girdle muscular dystrophy type 2A. Last evaluated: 2025-06-02. Review status: criteria provided, single submitter. Criteria: Invitae Variant Classification Sherloc (09022015). Collection method: clinical testing. Allele origin: germline. Not counted in ClinVar's aggregate classification.
Comment: This sequence change replaces glutamic acid, which is acidic and polar, with glycine, which is neutral and non-polar, at codon 396 of the CAPN3 protein (p.Glu396Gly). This variant is present in population databases (rs752046508, gnomAD 0.0009%). This missense change has been observed in individual(s) with autosomal recessive limb-girdle muscular dystrophy (internal data). In at least one individual the data is consistent with being in trans (on the opposite chromosome) from a pathogenic variant. ClinVar contains an entry for this variant (Variation ID: 497565). Invitae Evidence Modeling of protein sequence and biophysical properties (such as structural, functional, and spatial information, amino acid conservation, physicochemical variation, residue mobility, and thermodynamic stability) indicates that this missense variant is expected to disrupt CAPN3 protein function with a positive predictive value of 80%. Studies have shown that this missense change is associated with inconclusive levels of altered splicing (PMID: 32668095). In summary, the currently available evidence indicates that the variant is pathogenic, but additional data are needed to prove that conclusively. Therefore, this variant has been classified as Likely Pathogenic.

Eurofins Ntd Llc (ga)
Classification: Uncertain significance. Last evaluated: 2016-10-07. Review status: criteria provided, single submitter. Criteria: EGL Classification Definitions 2015. Collection method: clinical testing. Allele origin: germline. Observed: 1 variant allele, 1 heterozygote. Not counted in ClinVar's aggregate classification.

Literature cited by the submitters: PubMed 32668095 (cited by Labcorp Genetics (formerly Invitae), Labcorp).

NM_000070.3(CAPN3):c.1187A>G (p.Glu396Gly)

Gene: CAPN3 (calpain 3; plus strand). Cytogenetic location: 15q15.1.
Variant type: single nucleotide variant.
Coding change: c.1187A>G on transcript NM_000070.3 (MANE Select); coding-DNA position 1187, A replaced by G.
Protein change: p.Glu396Gly; replaces glutamic acid 396 with glycine.
Molecular consequence: missense variant.
Genome position (GRCh38, 1-based): chr15:42,396,871, A>G. VCF-style: chr15-42396871-A-G. GRCh37 (hg19) VCF-style: chr15-42689069-A-G.
Other names: NM_000070.3(CAPN3):c.1187A>G; p.Glu396Gly; c.1187A>G, p.Glu396Gly (NM_024344.2); c.1043A>G, p.Glu348Gly (NM_173087.2); short protein forms E396G, E348G.
Identifiers: ClinVar variation 497565 (VCV000497565.9), dbSNP rs752046508, ClinGen allele CA7511268.